The following is an entry in ClinVar:

ClinVar aggregate classification (germline): Uncertain significance (1 of 4 stars; one submission).

Conditions:
Cardiovascular phenotype. Identifiers: MedGen CN230736.

Submission:

Ambry Genetics
Classification: Uncertain significance for Cardiovascular phenotype. Last evaluated: 2025-01-23. Review status: criteria provided, single submitter. Criteria: Ambry Variant Classification Scheme 2023. Collection method: clinical testing. Allele origin: germline.
Comment: The p.T97M variant (also known as c.290C>T), located in coding exon 1 of the GDF2 gene, results from a C to T substitution at nucleotide position 290. The threonine at codon 97 is replaced by methionine, an amino acid with similar properties. This amino acid position is not well conserved in available vertebrate species. In addition, this alteration is predicted to be neutral by in silico analysis (Choi Y et al. PLoS ONE. 2012; 7(10):e46688). Based on the available evidence, the clinical significance of this variant remains unclear.

NM_016204.4(GDF2):c.290C>T (p.Thr97Met)

Gene: GDF2 (growth differentiation factor 2; plus strand). Cytogenetic location: 10q11.22.
Variant type: single nucleotide variant.
Coding change: c.290C>T on transcript NM_016204.4 (MANE Select); coding-DNA position 290, C replaced by T.
Protein change: p.Thr97Met; replaces threonine 97 with methionine.
Molecular consequence: missense variant.
Genome position (GRCh38, 1-based): chr10:47,322,958, C>T. VCF-style: chr10-47322958-C-T. GRCh37 (hg19) VCF-style: chr10-48416404-G-A.
Other names: short protein forms T97M.
Identifiers: ClinVar variation 3853326 (VCV003853326.1).